The following is an entry in ClinVar:

ClinVar aggregate classification (germline): Benign/Likely benign. Review status: criteria provided, multiple submitters, no conflicts (2 of 4 stars). 9 submissions from 8 submitters: Benign (4); Likely benign (5). Last evaluated 2026-01-27.

Conditions:
Fibromuscular dysplasia, multifocal. Identifiers: MedGen C5543412, MONDO:0859151, OMIM 619329.
Ehlers-Danlos syndrome, classic type (cEDS). Identifiers: Orphanet 287, MedGen C4225429, MONDO:0007522.
Ehlers-Danlos syndrome, classic type, 1 (EDSCL1). Also called: EDS I; Ehlers-Danlos syndrome, type 1; Ehlers-Danlos Syndrome, Classic Type, COL5A1-Related; EHLERS-DANLOS SYNDROME, GRAVIS TYPE; EHLERS-DANLOS SYNDROME, SEVERE CLASSIC TYPE. Identifiers: MedGen C0268335, MONDO:0019567, OMIM 130000.
Familial thoracic aortic aneurysm and aortic dissection (TAAD). Also called: Thoracic aortic aneurysms and dissections. Identifiers: Orphanet 91387, MedGen C4707243, MONDO:0019625.

Allele frequency attached by ClinVar (database versions not stated): TOPMed 0.00009; gnomAD 0.00011 and 0.00015; gnomAD exomes 0.00017 and 0.00021; ExAC 0.00018.
gnomAD v4.1: 271 of 1,612,656 alleles (0.017%); highest among the groups gnomAD compares: Middle Eastern, 0.15%; no homozygotes.

Submissions (9):

Labcorp Genetics (formerly Invitae), Labcorp
Classification: Likely benign for Ehlers-Danlos syndrome, classic type, 1. Last evaluated: 2026-01-27. Review status: criteria provided, single submitter. Criteria: Invitae Variant Classification Sherloc (09022015). Collection method: clinical testing. Allele origin: germline.

Women's Health and Genetics/Laboratory Corporation of America, LabCorp
Classification: Benign. Last evaluated: 2025-01-28. Review status: criteria provided, single submitter. Criteria: LabCorp Variant Classification Summary - May 2015. Collection method: clinical testing. Allele origin: germline.

Blueprint Genetics
Classification: Likely benign. Last evaluated: 2024-09-10. Review status: criteria provided, single submitter. Criteria: ACMG Guidelines, 2015. Collection method: clinical testing. Allele origin: germline.

CeGaT Center for Human Genetics Tuebingen
Classification: Likely benign. Last evaluated: 2022-12-01. Review status: criteria provided, single submitter. Criteria: CeGaT Center For Human Genetics Tuebingen Variant Classification Criteria Version 2. Collection method: clinical testing. Allele origin: germline. Affected: yes. Observed: 1 variant allele.
Comment: COL5A1: BP4, BP7

Genome-Nilou Lab
Classification: Benign for Ehlers-Danlos syndrome, classic type, 1. Last evaluated: 2022-03-15. Review status: criteria provided, single submitter. Criteria: ACMG Guidelines, 2015. Collection method: clinical testing. Allele origin: germline. Affected: no.

Genome-Nilou Lab
Classification: Benign for Fibromuscular dysplasia, multifocal. Last evaluated: 2022-03-15. Review status: criteria provided, single submitter. Criteria: ACMG Guidelines, 2015. Collection method: clinical testing. Allele origin: germline. Affected: no.

Ambry Genetics
Classification: Likely benign for Familial thoracic aortic aneurysm and aortic dissection. Last evaluated: 2018-10-31. Review status: criteria provided, single submitter. Criteria: Ambry Variant Classification Scheme 2023. Collection method: clinical testing. Allele origin: germline.

Illumina Laboratory Services, Illumina
Classification: Likely benign for Ehlers-Danlos syndrome, classic type, 1. Last evaluated: 2018-01-12. Review status: criteria provided, single submitter. Criteria: ICSL Variant Classification Criteria 13 December 2019. Collection method: clinical testing. Allele origin: germline.
Comment: This variant was observed in the ICSL laboratory as part of a predisposition screen in an ostensibly healthy population. It had not been previously curated by ICSL or reported in the Human Gene Mutation Database (HGMD: prior to June 1st, 2018), and was therefore a candidate for classification through an automated scoring system. Utilizing variant allele frequency, disease prevalence and penetrance estimates, and inheritance mode, an automated score was calculated to assess if this variant is too frequent to cause the disease. Based on the score and internal cut-off values, a variant classified as likely benign is not then subjected to further curation. The score for this variant resulted in a classification of likely benign for this disease.

GeneDx
Classification: Benign. Last evaluated: 2017-08-04. Review status: criteria provided, single submitter. Criteria: GeneDx Variant Classification (06012015). Collection method: clinical testing. Allele origin: germline. Affected: yes.
Comment: This variant is considered likely benign or benign based on one or more of the following criteria: it is a conservative change, it occurs at a poorly conserved position in the protein, it is predicted to be benign by multiple in silico algorithms, and/or has population frequency not consistent with disease.

NM_000093.5(COL5A1):c.4941C>T (p.Pro1647=)

Genes: COL5A1 (collagen type V alpha 1 chain; plus strand), LOC101448202 (uncharacterized LOC101448202; minus strand). Cytogenetic location: 9q34.3.
Variant type: single nucleotide variant.
Coding change: c.4941C>T on transcript NM_000093.5 (MANE Select); coding-DNA position 4941, C replaced by T.
Protein change: p.Pro1647=; no amino-acid change (proline 1647 retained).
Molecular consequence: synonymous variant.
Genome position (GRCh38, 1-based): chr9:134,824,842, C>T. VCF-style: chr9-134824842-C-T. GRCh37 (hg19) VCF-style: chr9-137716688-C-T.
Other names: c.4941C>T, p.Pro1647= (NM_001278074.1).
Identifiers: ClinVar variation 459706 (VCV000459706.50), dbSNP rs747549921, ClinGen allele CA5320503.